The following is an entry in ClinVar:

ClinVar aggregate classification (germline): Uncertain significance (1 of 4 stars; one submission).

Submission:

Labcorp Genetics (formerly Invitae), Labcorp
Classification: Uncertain significance. Last evaluated: 2025-09-29. Review status: criteria provided, single submitter. Criteria: Invitae Variant Classification Sherloc (09022015). Collection method: clinical testing. Allele origin: germline.
Comment: This sequence change replaces threonine, which is neutral and polar, with isoleucine, which is neutral and non-polar, at codon 467 of the MAP3K7 protein (p.Thr467Ile). This variant is not present in population databases (gnomAD no frequency). This variant has not been reported in the literature in individuals affected with MAP3K7-related conditions. An algorithm developed to predict the effect of missense changes on protein structure and function (PolyPhen-2) suggests that this variant is likely to be disruptive. In summary, the available evidence is currently insufficient to determine the role of this variant in disease. Therefore, it has been classified as a Variant of Uncertain Significance.

NM_145331.3(MAP3K7):c.1400C>T (p.Thr467Ile)

Gene: MAP3K7 (mitogen-activated protein kinase kinase kinase 7; minus strand). Cytogenetic location: 6q15.
Variant type: single nucleotide variant.
Coding change: c.1400C>T on transcript NM_145331.3 (MANE Select); coding-DNA position 1400, C replaced by T.
Protein change: p.Thr467Ile; replaces threonine 467 with isoleucine.
Molecular consequence: missense variant.
Genome position (GRCh38, 1-based): chr6:90,523,740, G>A on the plus strand (C>T on the coding strand, the complement: MAP3K7 is on the minus strand). VCF-style: chr6-90523740-G-A. GRCh37 (hg19) VCF-style: chr6-91233459-G-A.
Other names: c.1319C>T, p.Thr440Ile (NM_003188.4, NM_145333.3); c.1400C>T, p.Thr467Ile (NM_145332.3); short protein forms T440I, T467I.
Identifiers: ClinVar variation 4804752 (VCV004804752.1).